The following is an entry in ClinVar:

ClinVar aggregate classification (germline): Uncertain significance. Review status: criteria provided, multiple submitters, no conflicts (2 of 4 stars). 3 submissions from 3 submitters: Uncertain significance (3). Last evaluated 2025-03-27.

Conditions:
Hypertrophic cardiomyopathy. Also called: HYPERTROPHIC MYOCARDIOPATHY. Identifiers: Orphanet 217569, MedGen C0007194, MeSH D002312, MONDO:0005045, HP:0001639.
Cardiomyopathy (CMYO). Also called: Cardiomyopathies. Identifiers: Orphanet 167848, MedGen C0878544, MONDO:0004994, HP:0001638. Inheritance: Various modes of inheritance.

Allele frequency attached by ClinVar (database versions not stated): gnomAD exomes below 0.00001.
gnomAD v4.1: 1 of 1,614,100 alleles (0.000062%); highest among the groups gnomAD compares: Non-Finnish European, 0.000085%; no homozygotes.

Submissions (3):

Labcorp Genetics (formerly Invitae), Labcorp
Classification: Uncertain significance for Hypertrophic cardiomyopathy. Last evaluated: 2025-03-27. Review status: criteria provided, single submitter. Criteria: Invitae Variant Classification Sherloc (09022015). Collection method: clinical testing. Allele origin: germline.
Comment: This sequence change replaces asparagine, which is neutral and polar, with serine, which is neutral and polar, at codon 184 of the MYL3 protein (p.Asn184Ser). This variant is not present in population databases (gnomAD no frequency). This variant has not been reported in the literature in individuals affected with MYL3-related conditions. ClinVar contains an entry for this variant (Variation ID: 2773984). An algorithm developed to predict the effect of missense changes on protein structure and function (PolyPhen-2) suggests that this variant is likely to be tolerated. In summary, the available evidence is currently insufficient to determine the role of this variant in disease. Therefore, it has been classified as a Variant of Uncertain Significance.

GeneDx
Classification: Uncertain significance. Last evaluated: 2024-01-04. Review status: criteria provided, single submitter. Criteria: GeneDx Variant Classification Process June 2021. Collection method: clinical testing. Allele origin: germline. Affected: yes.
Comment: Not observed at significant frequency in large population cohorts (gnomAD); In silico analysis supports that this missense variant has a deleterious effect on protein structure/function; Has not been previously published as pathogenic or benign to our knowledge

Color Diagnostics, LLC DBA Color Health
Classification: Uncertain significance for Cardiomyopathy. Last evaluated: 2023-02-17. Review status: criteria provided, single submitter. Criteria: ACMG Guidelines, 2015. Collection method: clinical testing. Allele origin: germline.
Comment: This missense variant replaces asparagine with serine at codon 184 of the MYL3 protein. Computational prediction is inconclusive regarding the impact of this variant on protein structure and function (internally defined REVEL score threshold 0.5 < inconclusive < 0.7, PMID: 27666373). To our knowledge, functional studies have not been reported for this variant. This variant has not been reported in individuals affected with MYL3-related disorders in the literature. This variant has not been identified in the general population by the Genome Aggregation Database (gnomAD). The available evidence is insufficient to determine the role of this variant in disease conclusively. Therefore, this variant is classified as a Variant of Uncertain Significance.

NM_000258.3(MYL3):c.551A>G (p.Asn184Ser)

Gene: MYL3 (myosin light chain 3; minus strand). Cytogenetic location: 3p21.31.
Variant type: single nucleotide variant.
Coding change: c.551A>G on transcript NM_000258.3 (MANE Select); coding-DNA position 551, A replaced by G.
Protein change: p.Asn184Ser; replaces asparagine 184 with serine.
Molecular consequence: missense variant.
Genome position (GRCh38, 1-based): chr3:46,858,392, T>C on the plus strand (A>G on the coding strand, the complement: MYL3 is on the minus strand). VCF-style: chr3-46858392-T-C. GRCh37 (hg19) VCF-style: chr3-46899882-T-C.
Other names: c.551A>G, p.Asn184Ser (NM_001406937.1, NM_001406938.1, NM_001406939.1); c.377A>G, p.Asn126Ser (NM_001406940.1); c.362A>G, p.Asn121Ser (NM_001406941.1); short protein forms N126S, N184S, N121S.
Identifiers: ClinVar variation 2773984 (VCV002773984.4), dbSNP rs2544962977, ClinGen allele CA352495268.